The following is an entry in ClinVar:

NM_138409.4(MRAP2):c.185T>C (p.Phe62Ser)

Gene: MRAP2 (melanocortin 2 receptor accessory protein 2; plus strand). Cytogenetic location: 6q14.2.
Variant type: single nucleotide variant.
Coding change: c.185T>C on transcript NM_138409.4 (MANE Select); coding-DNA position 185, T replaced by C.
Protein change: p.Phe62Ser; replaces phenylalanine 62 with serine.
Molecular consequence: missense variant. On other transcripts: 5 prime UTR variant (1), intron variant (1).
Genome position (GRCh38, 1-based): chr6:84,062,950, T>C. VCF-style: chr6-84062950-T-C. GRCh37 (hg19) VCF-style: chr6-84772669-T-C.
Other names: c.185T>C, p.Phe62Ser (NM_001346542.2, NM_001346544.2); c.-75T>C (NM_001346543.2); c.-32+7505T>C (NM_001346541.2); short protein forms F62S.
Identifiers: ClinVar variation 4991330 (VCV004991330.1).

ClinVar aggregate classification (germline): Uncertain significance (1 of 4 stars; one submission).

Conditions:
MRAP2-related disorder. Also called: MRAP2-related condition.

gnomAD v4.1: 2 of 1,614,204 alleles (0.00012%); highest among the groups gnomAD compares: African/African-American, 0.0027%; no homozygotes.

Submission:

PreventionGenetics, part of Exact Sciences
Classification: Uncertain significance for MRAP2-related condition. Last evaluated: 2026-03-10. Review status: criteria provided, single submitter. Criteria: ACMG Guidelines, 2015. Collection method: clinical testing. Allele origin: germline.
Comment: The MRAP2 c.185T>C variant is predicted to result in the amino acid substitution p.Phe62Ser. To our knowledge, this variant has not been reported in the literature or in a large population database (gnomAD), indicating this variant is rare. At this time, the clinical significance of this variant is uncertain due to the absence of conclusive functional and genetic evidence.